The following is an entry in ClinVar:

NM_030973.4(MED25):c.1795_1803del (p.Ser599_Ala601del)

Gene: MED25 (mediator complex subunit 25; plus strand). Cytogenetic location: 19q13.33.
Variant type: Deletion.
Coding change: c.1795_1803del on transcript NM_030973.4 (MANE Select); coding-DNA positions 1795 to 1803, 9 bases deleted (TCTGGGGCC; older notation c.1795_1803delTCTGGGGCC).
Protein change: p.Ser599_Ala601del.
Molecular consequence: inframe deletion.
Genome position (GRCh38, 1-based): chr19:49,835,775-49,835,783, TCTGGGGCC deleted; deleting any 9 consecutive bases within chr19:49,835,769-49,835,783 gives the same sequence; the c. name uses the placement nearest the transcript's 3' end. VCF-style (leftmost placement, unchanged base first): chr19-49835768-AGGGGCCTCT-A. GRCh37 (hg19) VCF-style: chr19-50339025-AGGGGCCTCT-A.
Other names: c.1795_1803del, p.Ser599_Ala601del (NM_001378355.1).
Identifiers: ClinVar variation 958450 (VCV000958450.12), dbSNP rs764613506, ClinGen allele CA9585383.

ClinVar aggregate classification (germline): Conflicting classifications of pathogenicity. Review status: criteria provided, conflicting classifications (1 of 4 stars). 4 submissions from 4 submitters: Likely pathogenic (1); Uncertain significance (3). Last evaluated 2024-07-02.

Conditions:
Tip-toe gait. Also called: Toe walking. Identifiers: MedGen C0427144, HP:0030051.
Charcot-Marie-Tooth disease type 2. Also called: Charcot-Marie-Tooth type 2. Identifiers: Orphanet 64746, MedGen C0270914, MONDO:0018993.

Submissions (4):

Practice for Gait Abnormalities, David Pomarino, Competency Network Toe Walking C/o Practice Pomarino
Classification: Likely pathogenic for Tip-toe gait. Last evaluated: 2024-07-02. Review status: criteria provided, single submitter. Criteria: Pomarino et al. (Glob Med Genet. 2023). Collection method: clinical testing. Allele origin: germline. Affected: yes. Observed: 1 variant allele, 1 heterozygote.
Comment: Hereditary motor sensory neuropathy (HMSN), also known as Charcot-Marie-Tooth Disease (CMT), is the most commonly inherited peripheral polyneuropathy. It constitutes a group of inherited, progressive, motor and sensory peripheral nerve disorders with properties of demyelination, axonal degeneration, or both. It is classified by clinical characteristics, modes of inheritance, electrophysiologic features, metabolic defects, and specific gene markers. Our patients all walk on tiptoe, so they show similar symptoms. When we genetically test them with our toe walking panel, we find that around 90 per cent of them have a genetic variant that explains their toe walking. These can be assigned, for example, to the area of myopathies (such as variants of the COL6A3 gene), the area of hereditary neuropathies (such as variants of the KMT2C gene) or the area of metabolic diseases (such as variants of the PYGM gene). In a smaller group of patients with almost identical symptoms, no abnormality is found in the genes of our panel, but spastic paraplegia can be detected. In another small group of our toe walkers, no abnormalities can be detected in the genes analysed in our toe walking panel, nor do they suffer from spastic paraplegia, as is also the case with healthy children. In contrast to these, however, they show a tiptoe gait. These patients suffer from infantile cerebral palsy, in which toe walking can also be observed.

Labcorp Genetics (formerly Invitae), Labcorp
Classification: Uncertain significance for Charcot-Marie-Tooth disease type 2. Last evaluated: 2022-07-30. Review status: criteria provided, single submitter. Criteria: Invitae Variant Classification Sherloc (09022015). Collection method: clinical testing. Allele origin: germline.
Comment: This variant, c.1795_1803del, results in the deletion of 3 amino acid(s) of the MED25 protein (p.Ser599_Ala601del), but otherwise preserves the integrity of the reading frame. This variant is present in population databases (rs764613506, gnomAD 0.007%). This variant has not been reported in the literature in individuals affected with MED25-related conditions. ClinVar contains an entry for this variant (Variation ID: 958450). Experimental studies and prediction algorithms are not available or were not evaluated, and the functional significance of this variant is currently unknown. In summary, the available evidence is currently insufficient to determine the role of this variant in disease. Therefore, it has been classified as a Variant of Uncertain Significance.

Mayo Clinic Laboratories, Mayo Clinic
Classification: Uncertain significance. Last evaluated: 2019-06-17. Review status: criteria provided, single submitter. Criteria: ACMG Guidelines, 2015. Collection method: clinical testing. Allele origin: germline. Observed: 1 variant allele.

Breakthrough Genomics
Classification: Uncertain significance. Review status: criteria provided, single submitter. Criteria: ACMG Guidelines, 2015. Collection method: not provided. Allele origin: germline. Inheritance: Autosomal dominant inheritance. Affected: yes.

Literature cited by the submitters: DOI 10.3238/oup.2019.0380-0382 (cited by Practice for Gait Abnormalities, David Pomarino, Competency Network Toe Walking C/o Practice Pomarino).